The following is an entry in ClinVar:

ClinVar aggregate classification (germline): Uncertain significance. Review status: criteria provided, multiple submitters, no conflicts (2 of 4 stars). 3 submissions from 3 submitters: Uncertain significance (3). Last evaluated 2025-08-30.

Conditions:
Carney complex, type 1 (CNC1). Also called: CARNEY MYXOMA-ENDOCRINE COMPLEX; CARNEY COMPLEX, TYPE I. Identifiers: Orphanet 1359, MedGen C2607929, MONDO:0008057, OMIM 160980.
Hereditary cancer-predisposing syndrome. Also called: Neoplastic Syndromes, Hereditary; Tumor predisposition; Hereditary neoplastic syndrome; Hereditary Cancer Syndrome. Identifiers: Orphanet 140162, MedGen C0027672, MeSH D009386, MONDO:0015356.
Familial atrial myxoma. Identifiers: Orphanet 615, MedGen C2931787, MONDO:0009719, OMIM 255960.
Pigmented nodular adrenocortical disease, primary, 1 (PPNAD1). Also called: CUSHING SYNDROME, ADRENAL, DUE TO PPNAD1; PIGMENTED MICRONODULAR ADRENOCORTICAL DISEASE, PRIMARY, 1; ADRENOCORTICAL NODULAR DYSPLASIA, PRIMARY. Identifiers: Orphanet 189439, MedGen C1864846, MONDO:0012509, OMIM 610489.
Acrodysostosis 1 with or without hormone resistance (ACRDYS1). Also called: ACRODYSOSTOSIS 1 WITH HORMONE RESISTANCE; ACRODYSOSTOSIS 1 WITHOUT HORMONE RESISTANCE; ACRODYSOSTOSIS WITH HORMONE RESISTANCE. Identifiers: Orphanet 280651, MedGen C3276228, MONDO:0007044, OMIM 101800.

Submissions (3):

Labcorp Genetics (formerly Invitae), Labcorp
Classification: Uncertain significance for Carney complex, type 1. Last evaluated: 2025-08-30. Review status: criteria provided, single submitter. Criteria: Invitae Variant Classification Sherloc (09022015). Collection method: clinical testing. Allele origin: germline.
Comment: This variant, c.427_429del, results in the deletion of 1 amino acid(s) of the PRKAR1A protein (p.Asp143del), but otherwise preserves the integrity of the reading frame. This variant is present in population databases (no rsID available, gnomAD 0.007%). This variant has not been reported in the literature in individuals affected with PRKAR1A-related conditions. ClinVar contains an entry for this variant (Variation ID: 644694). Experimental studies and prediction algorithms are not available or were not evaluated, and the functional significance of this variant is currently unknown. In summary, the available evidence is currently insufficient to determine the role of this variant in disease. Therefore, it has been classified as a Variant of Uncertain Significance.

Ambry Genetics
Classification: Uncertain significance for Hereditary cancer-predisposing syndrome. Last evaluated: 2025-03-12. Review status: criteria provided, single submitter. Criteria: Ambry Variant Classification Scheme 2023. Collection method: clinical testing. Allele origin: germline.
Comment: The c.427_429delGAT variant (also known as p.D143del) is located in coding exon 3 of the PRKAR1A gene. This variant results from an in-frame GAT deletion at nucleotide positions 427 to 429. This results in the in-frame deletion of an aspartic acid at codon 143. This amino acid position is highly conserved in available vertebrate species. Based on the available evidence, the clinical significance of this variant remains unclear.

Fulgent Genetics
Classification: Uncertain significance for Acrodysostosis 1 with or without hormone resistance; Carney complex, type 1; Familial atrial myxoma; Pigmented nodular adrenocortical disease, primary, 1. Last evaluated: 2021-08-30. Review status: criteria provided, single submitter. Criteria: ACMG Guidelines, 2015. Collection method: clinical testing. Allele origin: unknown.

NM_002734.5(PRKAR1A):c.424GAT[1] (p.Asp143del)

Gene: PRKAR1A (protein kinase cAMP-dependent type I regulatory subunit alpha; plus strand). Cytogenetic location: 17q24.2.
Variant type: Microsatellite.
Coding change: c.424GAT[1] on transcript NM_002734.5 (MANE Select); one copy of the 3-base unit GAT starting at c.424; the reference has two copies in a row; one copy, 3 bases deleted; also written c.427_429del.
Protein change: p.Asp143del; deletes aspartic acid 143.
Molecular consequence: inframe deletion.
Genome position (GRCh38, 1-based): chr17:68,523,803-68,523,805, GAT deleted; deleting any 3 consecutive bases within chr17:68,523,799-68,523,805 gives the same sequence; the position shown is the placement nearest the transcript's 3' end. VCF-style (leftmost placement, unchanged base first): chr17-68523798-TTGA-T. GRCh37 (hg19) VCF-style: chr17-66519939-TTGA-T.
Other names: c.427_429delGAT (NM_002734.3); c.427_429del (NM_002734.5, NM_002734.4); c.424GAT[1], p.Asp143del (NM_001276289.2, NM_001276290.1, NM_001278433.2 and 4 more transcripts); short protein forms D143del.
Identifiers: ClinVar variation 644694 (VCV000644694.12), dbSNP rs1308936763, ClinGen allele CA627205436.